The following is an entry in ClinVar:

NM_133443.4(GPT2):c.1260G>A (p.Thr420=)

Gene: GPT2 (glutamic--pyruvic transaminase 2; plus strand). Cytogenetic location: 16q11.2.
Variant type: single nucleotide variant.
Coding change: c.1260G>A on transcript NM_133443.4 (MANE Select); coding-DNA position 1260, G replaced by A.
Protein change: p.Thr420=; no amino-acid change (threonine 420 retained).
Molecular consequence: synonymous variant.
Genome position (GRCh38, 1-based): chr16:46,924,436, G>A. VCF-style: chr16-46924436-G-A. GRCh37 (hg19) VCF-style: chr16-46958348-G-A.
Other names: p.Thr420=; c.960G>A, p.Thr320= (NM_001142466.3).
Identifiers: ClinVar variation 779164 (VCV000779164.39), dbSNP rs115072332, ClinGen allele CA8038875.

ClinVar aggregate classification (germline): Benign/Likely benign. Review status: criteria provided, multiple submitters, no conflicts (2 of 4 stars). 4 submissions from 4 submitters: Benign (3); Likely benign (1). Last evaluated 2026-07-01.

Allele frequency attached by ClinVar (database versions not stated): gnomAD exomes 0.00838 and 0.00490; 1000 Genomes Project 30x 0.00265; 1000 Genomes Project 0.00300; ExAC 0.00491; TOPMed 0.00590; gnomAD 0.00599 and 0.00610; ESP Exome Variant Server 0.00769.
gnomAD v4.1: 13,029 of 1,614,188 alleles (0.81%); highest among the groups gnomAD compares: Non-Finnish European, 1%; 73 homozygotes.

Submissions (4):

CeGaT Center for Human Genetics Tuebingen
Classification: Benign. Last evaluated: 2026-07-01. Review status: criteria provided, single submitter. Criteria: CeGaT Center For Human Genetics Tuebingen Variant Classification Criteria Version 2. Collection method: clinical testing. Allele origin: germline. Affected: yes. Observed: 24 variant alleles.
Comment: GPT2: BP4, BP7, BS1, BS2

Mayo Clinic Laboratories, Mayo Clinic
Classification: Benign. Last evaluated: 2025-04-10. Review status: criteria provided, single submitter. Criteria: ACMG Guidelines, 2015. Collection method: clinical testing. Allele origin: germline. Observed: 6 variant alleles.
Comment: BA1, BS2, BP4, BP7

Labcorp Genetics (formerly Invitae), Labcorp
Classification: Benign. Last evaluated: 2019-12-31. Review status: criteria provided, single submitter. Criteria: Invitae Variant Classification Sherloc (09022015). Collection method: clinical testing. Allele origin: germline.

Breakthrough Genomics
Classification: Likely benign. Review status: criteria provided, single submitter. Criteria: ACMG Guidelines, 2015. Collection method: not provided. Allele origin: germline. Inheritance: Autosomal recessive inheritance. Affected: yes.